The following is an entry in ClinVar:

ClinVar aggregate classification (germline): Benign/Likely benign. Review status: criteria provided, multiple submitters, no conflicts (2 of 4 stars). 3 submissions from 3 submitters: Benign (2); Likely benign (1). Last evaluated 2024-01-24.

Allele frequency attached by ClinVar (database versions not stated): 1000 Genomes Project 30x 0.09057; 1000 Genomes Project 0.09265; TOPMed 0.12700; gnomAD 0.13840 and 0.13873; gnomAD exomes 0.17342.

Submissions (3):

Unidad de Genómica Garrahan, Hospital de Pediatría Garrahan
Classification: Benign. Last evaluated: 2024-01-24. Review status: criteria provided, single submitter. Criteria: ACMG Guidelines, 2015. Collection method: clinical testing. Allele origin: germline. Affected: no. Observed: 25 variant alleles.
Comment: This variant is classified as Benign based on local population frequency. This variant was detected in 26% of patients studied by a panel of primary immunodeficiencies. Number of patients: 25. Only high quality variants are reported.

GeneDx
Classification: Benign. Last evaluated: 2018-11-27. Review status: criteria provided, single submitter. Criteria: GeneDx Variant Classification Process June 2021. Collection method: clinical testing. Allele origin: germline. Affected: yes.

Breakthrough Genomics
Classification: Likely benign. Review status: criteria provided, single submitter. Criteria: ACMG Guidelines, 2015. Collection method: not provided. Allele origin: germline. Inheritance: Autosomal recessive inheritance. Affected: yes.

NC_000015.10:g.34343168A>G

Genes: NOP10 (NOP10 ribonucleoprotein; minus strand), LOC130056750 (ATAC-STARR-seq lymphoblastoid silent region 6280; plus strand). Cytogenetic location: 15q14.
Variant type: single nucleotide variant.
Genome position: GRCh38 VCF-style: chr15-34343168-A-G. GRCh37 (hg19) VCF-style: chr15-34635369-A-G.
Identifiers: ClinVar variation 369090 (VCV000369090.10), dbSNP rs2169480, ClinGen allele CA10654515.
Genomic context (GRCh38, chr15:34,343,168, plus strand): 5'-ACCGCTCAGTCTGCAGTGGTCCGCCCGACCGCGTCACGTGTTCGTCAATTTCCTTCCTGC[A>G]TAACCGGAAGTCTCTCTCTCCTGGCACTCCGGAAAATGTAGTCAATTTTTGCCTTGTTTT-3'